The following is an entry in ClinVar:

NM_020458.4(TTC7A):c.2152+1G>T

Gene: TTC7A (tetratricopeptide repeat domain 7A; plus strand). Cytogenetic location: 2p21.
Variant type: single nucleotide variant.
Coding change: c.2152+1G>T on transcript NM_020458.4 (MANE Select); the canonical splice donor site of the intron after coding-DNA position 2152, G replaced by T.
Molecular consequence: splice donor variant.
Genome position (GRCh38, 1-based): chr2:47,051,881, G>T. VCF-style: chr2-47051881-G-T. GRCh37 (hg19) VCF-style: chr2-47279020-G-T.
Other names: c.2050+1G>T (NM_001288953.2); c.2224+1G>T (NM_001288951.2); c.1090+1G>T (NM_001288955.2).
Identifiers: ClinVar variation 3693289 (VCV003693289.2).

ClinVar aggregate classification (germline): Likely pathogenic (1 of 4 stars; one submission).

Conditions:
Multiple gastrointestinal atresias. Also called: Multiple intestinal atresia; FAMILIAL INTESTINAL POLYATRESIA SYNDROME. Identifiers: Orphanet 2300, MedGen C0220744, MONDO:0009465.

gnomAD v4.1: 3 of 1,607,700 alleles (0.00019%); highest among the groups gnomAD compares: Non-Finnish European, 0.00025%; no homozygotes.

Submission:

Labcorp Genetics (formerly Invitae), Labcorp
Classification: Likely pathogenic for Multiple gastrointestinal atresias. Last evaluated: 2025-01-18. Review status: criteria provided, single submitter. Criteria: Invitae Variant Classification Sherloc (09022015). Collection method: clinical testing. Allele origin: germline.
Comment: This sequence change affects a donor splice site in intron 18 of the TTC7A gene. It is expected to disrupt RNA splicing. Variants that disrupt the donor or acceptor splice site typically lead to a loss of protein function (PMID: 16199547), and loss-of-function variants in TTC7A are known to be pathogenic (PMID: 23830146, 24292712). This variant is not present in population databases (gnomAD no frequency). This variant has not been reported in the literature in individuals affected with TTC7A-related conditions. Algorithms developed to predict the effect of sequence changes on RNA splicing suggest that this variant may disrupt the consensus splice site. In summary, the currently available evidence indicates that the variant is pathogenic, but additional data are needed to prove that conclusively. Therefore, this variant has been classified as Likely Pathogenic.

Literature cited by the submitters: PubMed 16199547; PubMed 23830146; PubMed 24292712.